The following is an entry in ClinVar:

NM_006946.4(SPTBN2):c.485T>C (p.Ile162Thr)

Gene: SPTBN2 (spectrin beta, non-erythrocytic 2; minus strand). Cytogenetic location: 11q13.2.
Variant type: single nucleotide variant.
Coding change: c.485T>C on transcript NM_006946.4 (MANE Select); coding-DNA position 485, T replaced by C.
Protein change: p.Ile162Thr; replaces isoleucine 162 with threonine.
Molecular consequence: missense variant.
Genome position (GRCh38, 1-based): chr11:66,714,406, A>G on the plus strand (T>C on the coding strand, the complement: SPTBN2 is on the minus strand). VCF-style: chr11-66714406-A-G. GRCh37 (hg19) VCF-style: chr11-66481877-A-G.
Other names: c.506T>C, p.Ile169Thr (NM_001411025.1); c.485T>C, p.Ile162Thr (NM_001437541.1); short protein forms I162T, I169T.
Identifiers: ClinVar variation 4819059 (VCV004819059.1).
Genomic context (GRCh38, chr11:66,714,406, plus strand): 5'-AGGGCATCCTTGGCTGACTTCTTCTCCTTGTTGTCTTCTGTCTCCACACTGATGTCTTGG[A>G]TCTAGGAAGGAAGCAAGCAGGGCCCTCAGTCCCTGGACAGGAACTCCTGGTGTTATCAGA-3'
Protein context (NP_008877.2, residues 152-172): LVWTIILRFQ[Ile162Thr]QDISVETEDN

ClinVar aggregate classification (germline): Likely pathogenic (1 of 4 stars; one submission).

Conditions:
Spinocerebellar ataxia type 5 (SCA5). Identifiers: Orphanet 98766, MedGen C0752123, MONDO:0010848, OMIM 600224.

Submission:

Victorian Clinical Genetics Services, Murdoch Childrens Research Institute
Classification: Likely pathogenic for Spinocerebellar ataxia type 5. Last evaluated: 2025-12-03. Review status: criteria provided, single submitter. Criteria: ACMG Guidelines, 2015. Collection method: clinical testing. Allele origin: germline. Affected: yes.
Comment: This variant is classified as Likely pathogenic. Evidence in support of pathogenic classification: Variant is absent from gnomAD (v2, v3 and v4); Another missense variant comparable to the one identified in this case has limited previous evidence for pathogenicity. p.(Ile162Met) has been reported in the literature in a large multigenerational family with adult onset ataxia (PMID: 33797620); Additional information: Variant is predicted to result in a missense amino acid change from Ile to Thr; This variant is heterozygous; This gene is associated with both recessive and dominant disease. Heterozygous missense and in frame deletion variants in SPTBN2 have been associated with autosomal dominant spinocerebellar ataxia type 5 (MIM#600224; PMID: 31617442, 31066025). Biallelic loss of function variants have been associated with autosomal recessive spinocerebellar ataxia 14 (MIM#615386; PMID: 23236289, 31617442, 31066025); This variant has no previous evidence of pathogenicity; No published evidence of segregation with disease has been identified for this variant; No published functional evidence has been identified for this variant; Variant is located in the annotated calponin homology (CH) domain (DECIPHER); Missense variant with inconclusive in silico prediction and/or uninformative conservation; Loss of function is a known mechanism of disease in this gene and is associated with autosomal recessive spinocerebellar ataxia 14 (MIM#615386). Both dominant negative and gain of function have been suggested as the mechanism for autosomal dominant spinocerebellar ataxia 5 (MIM#600224; PMID: 20603325, ClinGen CCID:008972)

Literature cited by the submitters: PubMed 20603325; PubMed 23236289; PubMed 31066025; PubMed 33797620; PubMed 31617442.